The following is an entry in ClinVar:

NM_001122630.2(CDKN1C):c.455_472del (p.Ala152_Pro157del)

Gene: CDKN1C (cyclin dependent kinase inhibitor 1C; minus strand). Cytogenetic location: 11p15.4.
Variant type: Deletion.
Coding change: c.455_472del on transcript NM_001122630.2 (MANE Select); coding-DNA positions 455 to 472, 18 bases deleted (CTCCGGTCGCGGCTCCGG).
Protein change: p.Ala152_Pro157del.
Molecular consequence: inframe deletion. On other transcripts: intron variant (1).
Genome position (GRCh38, 1-based): chr11:2,884,985-2,885,002, CCGGAGCCGCGACCGGAG deleted on the plus strand (CTCCGGTCGCGGCTCCGG on the coding strand, the reverse complement: CDKN1C is on the minus strand); deleting any 18 consecutive bases within chr11:2,884,985-2,885,011 gives the same sequence; the c. name uses the placement nearest the transcript's 3' end. VCF-style (leftmost placement, unchanged base first): chr11-2884984-ACCGGAGCCGCGACCGGAG-A. GRCh37 (hg19) VCF-style: chr11-2906214-ACCGGAGCCGCGACCGGAG-A.
Other names: c.488_505delCTCCGGTCGCGGCTCCGG (NM_000076.2); c.488_505del, p.Ala163_Pro168del (LRG_533t1, NM_000076.2, NM_001362474.2); c.455_472del, p.Ala152_Pro157del (NM_001122631.2); c.255+200_255+217del (NM_001362475.2).
Identifiers: ClinVar variation 524731 (VCV000524731.11), dbSNP rs1554937999, ClinGen allele CA658797579.

ClinVar aggregate classification (germline): Conflicting classifications of pathogenicity. Review status: criteria provided, conflicting classifications (1 of 4 stars). 2 submissions from 2 submitters: Uncertain significance (1); Likely benign (1). Last evaluated 2024-04-29.

Conditions:
Beckwith-Wiedemann syndrome (BWS). Also called: EMG SYNDROME; Exomphalos macroglossia gigantism syndrome. Identifiers: Orphanet 116, MedGen C0004903, MONDO:0007534, OMIM 130650.

Submissions (2):

Labcorp Genetics (formerly Invitae), Labcorp
Classification: Likely benign for Beckwith-Wiedemann syndrome. Last evaluated: 2024-04-29. Review status: criteria provided, single submitter. Criteria: Invitae Variant Classification Sherloc (09022015). Collection method: clinical testing. Allele origin: germline.

Sema4
Classification: Uncertain significance for Beckwith-Wiedemann syndrome. Last evaluated: 2021-06-07. Review status: criteria provided, single submitter. Criteria: Sema4 Curation Guidelines. Collection method: curation. Allele origin: germline.
Comment: The CDKN1C c.488_505del (p.A163_P168del) variant has not been reported in the literature to our knowledge. It was not observed in the large and broad cohorts of the Genome Aggregation Database (PMID: 32461654). The variant has been reported in ClinVar (Variation ID: 524731). The evidence is insufficient to meet ACMG/AMP criteria for classifying the variant as benign or pathogenic. Thus, the clinical significance of this variant is currently uncertain.